The following is an entry in ClinVar:

ClinVar aggregate classification (germline): Likely benign (1 of 4 stars; one submission).

Conditions:
LRIG1-related disorder. Also called: LRIG1-related condition.

gnomAD v4.1: 300 of 1,613,830 alleles (0.019%); highest among the groups gnomAD compares: African/African-American, 0.35%; 4 homozygotes.

Submission:

PreventionGenetics, part of Exact Sciences
Classification: Likely benign for LRIG1-related condition. Last evaluated: 2025-01-09. Review status: criteria provided, single submitter. Criteria: ACMG Guidelines, 2015. Collection method: clinical testing. Allele origin: germline.
Comment: This variant is classified as likely benign based on ACMG/AMP sequence variant interpretation guidelines (Richards et al. 2015 PMID: 25741868, with internal and published modifications).

NM_015541.3(LRIG1):c.3240C>T (p.Pro1080=)

Gene: LRIG1 (leucine rich repeats and immunoglobulin like domains 1; minus strand). Cytogenetic location: 3p14.1.
Variant type: single nucleotide variant.
Coding change: c.3240C>T on transcript NM_015541.3 (MANE Select); coding-DNA position 3240, C replaced by T.
Protein change: p.Pro1080=; no amino-acid change (proline 1080 retained).
Molecular consequence: synonymous variant.
Genome position (GRCh38, 1-based): chr3:66,380,305, G>A on the plus strand (C>T on the coding strand, the complement: LRIG1 is on the minus strand). VCF-style: chr3-66380305-G-A. GRCh37 (hg19) VCF-style: chr3-66430729-G-A.
Other names: c.3165C>T, p.Pro1055= (NM_001377344.1); c.2460C>T, p.Pro820= (NM_001377345.1, NM_001377346.1); c.2238C>T, p.Pro746= (NM_001377347.1); c.2211C>T, p.Pro737= (NM_001377348.1); c.1956C>T, p.Pro652= (NM_001377349.1).
Identifiers: ClinVar variation 4981597 (VCV004981597.1).